The following is an entry in ClinVar:

NM_016335.6(PRODH):c.273G>A (p.Gln91=)

Gene: PRODH (proline dehydrogenase 1; minus strand). Cytogenetic location: 22q11.21.
Variant type: single nucleotide variant.
Coding change: c.273G>A on transcript NM_016335.6 (MANE Select); coding-DNA position 273, G replaced by A.
Protein change: p.Gln91=; no amino-acid change (glutamine 91 retained).
Molecular consequence: synonymous variant. On other transcripts: intron variant (1).
Genome position (GRCh38, 1-based): chr22:18,936,015, C>T on the plus strand (G>A on the coding strand, the complement: PRODH is on the minus strand). VCF-style: chr22-18936015-C-T. GRCh37 (hg19) VCF-style: chr22-18923528-C-T.
Other names: c.-52+375G>A (NM_001195226.2).
Identifiers: ClinVar variation 1445820 (VCV001445820.7), dbSNP rs2146223897, ClinGen allele CA513186503.
Genomic context (GRCh38, chr22:18,936,015, plus strand): 5'-CTCCGTAAAGGCTCCCGGGACCGGCAGAAGCCCCCGCGCCCCCGCCTGCACCCCGCGCAC[C>T]TGCTCGTGGCGCGCCAGCAGCGCGGGCCAGGCGCACAAGCGCAGCACCAGCAGGCTCCGC-3'
Protein context (NP_057419.5, residues 81-101): AWPALLARHE[Gln91=]LLYVSRKLLG

ClinVar aggregate classification (germline): Uncertain significance (1 of 4 stars; one submission).

Conditions:
Proline dehydrogenase deficiency (HYRPRO1). Also called: Hyperprolinemia type 1; PROLINE OXIDASE DEFICIENCY. Identifiers: Orphanet 419, MedGen C0268529, MONDO:0009400, OMIM 239500.

Submission:

Labcorp Genetics (formerly Invitae), Labcorp
Classification: Uncertain significance for Proline dehydrogenase deficiency. Last evaluated: 2022-11-01. Review status: criteria provided, single submitter. Criteria: Invitae Variant Classification Sherloc (09022015). Collection method: clinical testing. Allele origin: germline.
Comment: In summary, the available evidence is currently insufficient to determine the role of this variant in disease. Therefore, it has been classified as a Variant of Uncertain Significance. Variants that disrupt the consensus splice site are a relatively common cause of aberrant splicing (PMID: 17576681, 9536098). Algorithms developed to predict the effect of sequence changes on RNA splicing suggest that this variant may disrupt the consensus splice site. ClinVar contains an entry for this variant (Variation ID: 1445820). This variant has not been reported in the literature in individuals affected with PRODH-related conditions. This variant is not present in population databases (gnomAD no frequency). This sequence change affects codon 91 of the PRODH mRNA. It is a 'silent' change, meaning that it does not change the encoded amino acid sequence of the PRODH protein. This variant also falls at the last nucleotide of exon 2, which is part of the consensus splice site for this exon.

Literature cited by the submitters: PubMed 17576681; PubMed 9536098.